The following is an entry in ClinVar:

ClinVar aggregate classification (germline): Likely benign (1 of 4 stars; one submission).

gnomAD v4.1: 1 of 1,611,238 alleles (0.000062%); highest among the groups gnomAD compares: Non-Finnish European, 0.000085%; no homozygotes.

Submission:

CeGaT Center for Human Genetics Tuebingen
Classification: Likely benign. Last evaluated: 2024-10-01. Review status: criteria provided, single submitter. Criteria: CeGaT Center For Human Genetics Tuebingen Variant Classification Criteria Version 2. Collection method: clinical testing. Allele origin: germline. Affected: yes. Observed: 1 variant allele.
Comment: SCN1A: BP4, BP7

NM_001165963.4(SCN1A):c.4269C>A (p.Leu1423=)

Genes: SCN1A (sodium voltage-gated channel alpha subunit 1; minus strand), LOC102724058 (uncharacterized LOC102724058; plus strand). Cytogenetic location: 2q24.3.
Variant type: single nucleotide variant.
Coding change: c.4269C>A on transcript NM_001165963.4 (MANE Select); coding-DNA position 4269, C replaced by A.
Protein change: p.Leu1423=; no amino-acid change (leucine 1423 retained).
Molecular consequence: synonymous variant. On other transcripts: non-coding transcript variant (1).
Genome position (GRCh38, 1-based): chr2:166,002,487, G>T on the plus strand (C>A on the coding strand, the complement: SCN1A is on the minus strand). VCF-style: chr2-166002487-G-T. GRCh37 (hg19) VCF-style: chr2-166858997-G-T.
Other names: c.4185C>A, p.Leu1395= (NM_001165964.3, NM_001353957.2, NM_001353958.2); c.4269C>A, p.Leu1423= (NM_001202435.3, NM_001353948.2); c.4236C>A, p.Leu1412= (NM_001353949.2, NM_001353950.2, NM_001353951.2 and 2 more transcripts); c.4233C>A, p.Leu1411= (NM_001353954.2, NM_001353955.2); c.4182C>A, p.Leu1394= (NM_001353960.2); c.1827C>A, p.Leu609= (NM_001353961.2).
Identifiers: ClinVar variation 3389810 (VCV003389810.14).